The following is an entry in ClinVar:

ClinVar aggregate classification (germline): Pathogenic (1 of 4 stars; one submission).

Submission:

ISCA site 4
Classification: Pathogenic. Last evaluated: 2011-08-12. Review status: criteria provided, single submitter. Criteria: Kaminsky et al. (Genet Med. 2011). Collection method: clinical testing. Allele origin: unknown. Affected: yes. Observed: 1 variant allele.
Comment: Copy number variation identified through the course of routine clinical cytogenomic testing in postnatal populations. Clinical assertions have been curated as described in Kaminsky et al. 2011.

GRCh38/hg38 5q14.3(chr5:85876480-88958682)x1

Genes: CCNH (cyclin H; minus strand), COX7C (cytochrome c oxidase subunit 7C; plus strand), CRE1 (CRE1 CAGE-defined tissue-specific enhancer; plus strand), LINC01949 (long independently transcribed non-coding RNA 1949; minus strand), LINC02059 (long independently transcribed non-coding RNA 2059; plus strand) and 56 more. Cytogenetic location: 5q14.3.
Variant type: copy number loss.
Change: copy number 1 (one copy instead of two) of chr5:85,876,480-88,958,682 (3.08 Mb, GRCh38 coordinates, 1-based), cytogenetic band 5q14.3.
Identifiers: ClinVar variation 57325 (VCV000057325.1).